The following is an entry in ClinVar:

NM_003803.4(MYOM1):c.2607C>G (p.Phe869Leu)

Gene: MYOM1 (myomesin 1; minus strand). Cytogenetic location: 18p11.31.
Variant type: single nucleotide variant.
Coding change: c.2607C>G on transcript NM_003803.4 (MANE Select); coding-DNA position 2607, C replaced by G.
Protein change: p.Phe869Leu; replaces phenylalanine 869 with leucine.
Molecular consequence: missense variant. On other transcripts: intron variant (1).
Genome position (GRCh38, 1-based): chr18:3,129,419, G>C on the plus strand (C>G on the coding strand, the complement: MYOM1 is on the minus strand). VCF-style: chr18-3129419-G-C. GRCh37 (hg19) VCF-style: chr18-3129417-G-C.
Other names: c.2506+1956C>G (NM_019856.2); short protein forms F869L.
Identifiers: ClinVar variation 524958 (VCV000524958.11), dbSNP rs1555620828, ClinGen allele CA401710198.

ClinVar aggregate classification (germline): Uncertain significance. Review status: criteria provided, multiple submitters, no conflicts (2 of 4 stars). 2 submissions from 2 submitters: Uncertain significance (2). Last evaluated 2025-06-10.

Conditions:
Hypertrophic cardiomyopathy. Also called: HYPERTROPHIC MYOCARDIOPATHY. Identifiers: Orphanet 217569, MedGen C0007194, MeSH D002312, MONDO:0005045, HP:0001639.

Allele frequency attached by ClinVar (database versions not stated): gnomAD exomes below 0.00001; gnomAD 0.00001.
gnomAD v4.1: 3 of 1,613,828 alleles (0.00019%); highest among the groups gnomAD compares: African/African-American, 0.004%; no homozygotes.

Submissions (2):

Ambry Genetics
Classification: Uncertain significance. Last evaluated: 2025-06-10. Review status: criteria provided, single submitter. Criteria: Ambry Variant Classification Scheme 2023. Collection method: clinical testing. Allele origin: germline.
Comment: The p.F869L variant (also known as c.2607C>G), located in coding exon 17 of the MYOM1 gene, results from a C to G substitution at nucleotide position 2607. The phenylalanine at codon 869 is replaced by leucine, an amino acid with highly similar properties. This amino acid position is conserved. In addition, this alteration is predicted to be tolerated by in silico analysis. Since supporting evidence is limited at this time, the clinical significance of this alteration remains unclear.

Labcorp Genetics (formerly Invitae), Labcorp
Classification: Uncertain significance for Hypertrophic cardiomyopathy. Last evaluated: 2017-11-16. Review status: criteria provided, single submitter. Criteria: Invitae Variant Classification Sherloc (09022015). Collection method: clinical testing. Allele origin: germline.
Comment: In summary, the available evidence is currently insufficient to determine the role of this variant in disease. Therefore, it has been classified as a Variant of Uncertain Significance. This sequence change replaces phenylalanine with leucine at codon 869 of the MYOM1 protein (p.Phe869Leu). The phenylalanine residue is weakly conserved and there is a small physicochemical difference between phenylalanine and leucine. This variant is not present in population databases (ExAC no frequency). This variant has not been reported in the literature in individuals with MYOM1-related disease. Algorithms developed to predict the effect of missense changes on protein structure and function (SIFT, PolyPhen-2, Align-GVGD) all suggest that this variant is likely to be tolerated, but these predictions have not been confirmed by published functional studies and their clinical significance is uncertain.